The following is an entry in ClinVar:

NM_000059.4(BRCA2):c.910G>T (p.Glu304Ter)

Gene: BRCA2 (BRCA2 DNA repair associated; plus strand). Cytogenetic location: 13q13.1.
Variant type: single nucleotide variant.
Coding change: c.910G>T on transcript NM_000059.4 (MANE Select); coding-DNA position 910, G replaced by T.
Protein change: p.Glu304Ter; replaces glutamic acid 304 with a stop codon.
Molecular consequence: nonsense.
Genome position (GRCh38, 1-based): chr13:32,332,388, G>T. VCF-style: chr13-32332388-G-T. GRCh37 (hg19) VCF-style: chr13-32906525-G-T.
Other names: short protein forms E304*.
Identifiers: ClinVar variation 823026 (VCV000823026.6), dbSNP rs1593891461, ClinGen allele CA387760696.

ClinVar aggregate classification (germline): Pathogenic (1 of 4 stars; one submission).

Conditions:
Hereditary cancer-predisposing syndrome. Also called: Tumor predisposition; Hereditary Cancer Syndrome; Neoplastic Syndromes, Hereditary; Hereditary neoplastic syndrome. Identifiers: Orphanet 140162, MedGen C0027672, MeSH D009386, MONDO:0015356.

Submission:

Ambry Genetics
Classification: Pathogenic for Hereditary cancer-predisposing syndrome. Last evaluated: 2018-01-08. Review status: criteria provided, single submitter. Criteria: Ambry Variant Classification Scheme 2023. Collection method: clinical testing. Allele origin: germline.
Comment: The p.E304* pathogenic mutation (also known as c.910G>T), located in coding exon 9 of the BRCA2 gene, results from a G to T substitution at nucleotide position 910. This changes the amino acid from a glutamic acid to a stop codon within coding exon 9. This alteration is expected to result in loss of function by premature protein truncation or nonsense-mediated mRNA decay. As such, this alteration is interpreted as a disease-causing mutation.